The following is an entry in ClinVar:

NC_000006.11:g.(5545574_5613401)_(5613554_5771523)del

Gene: FARS2 (phenylalanyl-tRNA synthetase 2, mitochondrial; plus strand). Cytogenetic location: 6p25.1.
Variant type: Deletion.
Identifiers: ClinVar variation 4847546 (VCV004847546.1).

ClinVar aggregate classification (germline): Pathogenic (1 of 4 stars; one submission).

Conditions:
FARS2-related disorder. Also called: FARS2-related condition; FARS2-related disorders.

Submission:

Women's Health and Genetics/Laboratory Corporation of America, LabCorp
Classification: Pathogenic for FARS2-Related Disorders. Last evaluated: 2026-03-02. Review status: criteria provided, single submitter. Criteria: LabCorp Variant Classification Summary - May 2015. Collection method: clinical testing. Allele origin: germline.
Comment: Variant summary: The variant involves the deletion of exon 6 in the FARS2 gene. A presumed nomenclature of c.(1065+1_1066-1)_(1217+1_1218-1)del has been designated for the purposes of this classification. This Copy Number Variant (CNV) is expected to alter the reading frame and predicted to result in a truncation or absence of the encoded protein due to nonsense mediated decay (NMD). Loss-of-function variants in this gene are known to be pathogenic. The variant allele was found at a frequency of 4.6e-05 in 21694 control chromosomes. c.(1065+1_1066-1)_(1217+1_1218-1)del has been observed in individuals affected with FARS2-Related Disorders, including two compound heterozygous siblings with a complex hereditary spastic paraplegia phenotype including dysphonia (e.g. Forman_2019). These data indicate that the variant is likely associated with disease. To our knowledge, no experimental evidence demonstrating an impact on protein function has been reported. The following publication has been ascertained in the context of this evaluation (PMID: 31106652). ClinVar contains an entry for this variant (Variation ID: 3246034). Based on the evidence outlined above, the variant was classified as pathogenic.

Literature cited by the submitters: PubMed 31106652.